The following is an entry in ClinVar:

NM_004239.4(TRIP11):c.210G>T (p.Arg70Ser)

Gene: TRIP11 (thyroid hormone receptor interactor 11; minus strand). Cytogenetic location: 14q32.12.
Variant type: single nucleotide variant.
Coding change: c.210G>T on transcript NM_004239.4 (MANE Select); coding-DNA position 210, G replaced by T.
Protein change: p.Arg70Ser; replaces arginine 70 with serine.
Molecular consequence: missense variant.
Genome position (GRCh38, 1-based): chr14:92,025,412, C>A on the plus strand (G>T on the coding strand, the complement: TRIP11 is on the minus strand). VCF-style: chr14-92025412-C-A. GRCh37 (hg19) VCF-style: chr14-92491756-C-A.
Other names: c.207G>T, p.Arg69Ser (NM_001321851.1); short protein forms R69S, R70S.
Identifiers: ClinVar variation 2007849 (VCV002007849.4), dbSNP rs1364966765, ClinGen allele CA390666962.

ClinVar aggregate classification (germline): Uncertain significance (1 of 4 stars; one submission).

Conditions:
Achondrogenesis, type IA (ACG1A). Identifiers: Orphanet 932, Orphanet 93299, MedGen C0265273, MONDO:0008701, OMIM 200600.

Submission:

Labcorp Genetics (formerly Invitae), Labcorp
Classification: Uncertain significance for Achondrogenesis, type IA. Last evaluated: 2022-06-25. Review status: criteria provided, single submitter. Criteria: Invitae Variant Classification Sherloc (09022015). Collection method: clinical testing. Allele origin: germline.
Comment: In summary, the available evidence is currently insufficient to determine the role of this variant in disease. Therefore, it has been classified as a Variant of Uncertain Significance. Algorithms developed to predict the effect of missense changes on protein structure and function are either unavailable or do not agree on the potential impact of this missense change (SIFT: "Not Available"; PolyPhen-2: "Possibly Damaging"; Align-GVGD: "Not Available"). This variant has not been reported in the literature in individuals affected with TRIP11-related conditions. This variant is not present in population databases (gnomAD no frequency). This sequence change replaces arginine, which is basic and polar, with serine, which is neutral and polar, at codon 70 of the TRIP11 protein (p.Arg70Ser).